The following is an entry in ClinVar:

NM_000059.4(BRCA2):c.5681_5682insAA (p.Tyr1894Ter)

Gene: BRCA2 (BRCA2 DNA repair associated; plus strand). Cytogenetic location: 13q13.1.
Variant type: Insertion.
Coding change: c.5681_5682insAA on transcript NM_000059.4 (MANE Select); coding-DNA positions 5681 to 5682, AA inserted.
Protein change: p.Tyr1894Ter; replaces tyrosine 1894 with a stop codon.
Molecular consequence: nonsense. On other transcripts: non-coding transcript variant (1), intron variant (2).
Genome position: GRCh38 VCF-style: chr13-32340035-T-TAA. GRCh37 (hg19) VCF-style: chr13-32914172-T-TAA.
Other names: c.5681_5682insAA, p.Tyr1894Ter (NM_001406719.1, NM_001406720.1); c.1910-4522_1910-4521insAA (NM_001406721.1); c.425-4522_425-4521insAA (NM_001406722.1); short protein forms Y1894*.
Identifiers: ClinVar variation 2982191 (VCV002982191.3), dbSNP rs80359527, ClinGen allele CA2695217899.

ClinVar aggregate classification (germline): Pathogenic (1 of 4 stars; one submission).

Conditions:
Hereditary breast ovarian cancer syndrome. Also called: Hereditary breast and ovarian cancer; Hereditary breast and ovarian cancer syndrome (HBOC); Breast and ovarian cancer; Hereditary breast and/or ovarian cancer syndrome; Hereditary breast and ovarian cancer syndrome; BRCA1- and BRCA2-Associated Hereditary Breast and Ovarian Cancer. Identifiers: Orphanet 145, MedGen C0677776, MeSH D061325, MONDO:0003582. Disease mechanism: loss of function.

Submission:

Labcorp Genetics (formerly Invitae), Labcorp
Classification: Pathogenic for Hereditary breast ovarian cancer syndrome. Last evaluated: 2024-06-25. Review status: criteria provided, single submitter. Criteria: Invitae Variant Classification Sherloc (09022015). Collection method: clinical testing. Allele origin: germline.
Comment: This sequence change creates a premature translational stop signal (p.Tyr1894*) in the BRCA2 gene. It is expected to result in an absent or disrupted protein product. Loss-of-function variants in BRCA2 are known to be pathogenic (PMID: 20104584). This variant is not present in population databases (gnomAD no frequency). This premature translational stop signal has been observed in individual(s) with breast cancer, ovarian cancer, or prostate cancer (PMID: 11179017, 11897832, 16168118, 20736950, 24156927, 25927356). For these reasons, this variant has been classified as Pathogenic.

Literature cited by the submitters: PubMed 20104584; PubMed 11179017; PubMed 11897832; PubMed 16168118; PubMed 20736950; PubMed 24156927; PubMed 25927356.